The following is an entry in ClinVar:

NM_000548.5(TSC2):c.2562G>A (p.Pro854=)

Gene: TSC2 (TSC complex subunit 2; plus strand). Cytogenetic location: 16p13.3.
Variant type: single nucleotide variant.
Coding change: c.2562G>A on transcript NM_000548.5 (MANE Select); coding-DNA position 2562, G replaced by A.
Protein change: p.Pro854=; no amino-acid change (proline 854 retained).
Molecular consequence: synonymous variant.
Genome position (GRCh38, 1-based): chr16:2,075,815, G>A. VCF-style: chr16-2075815-G-A. GRCh37 (hg19) VCF-style: chr16-2125816-G-A.
Other names: c.2562G>A (NM_000548.4); c.2562G>A, p.Pro854= (NM_001077183.3, NM_001114382.3, NM_001363528.2 and 3 more transcripts); c.2451G>A, p.Pro817= (NM_001318827.2); c.2415G>A, p.Pro805= (NM_001318829.2); c.1962G>A, p.Pro654= (NM_001318831.2); c.2595G>A, p.Pro865= (NM_001318832.2).
Identifiers: ClinVar variation 391161 (VCV000391161.49), dbSNP rs779606786, ClinGen allele CA040063.

ClinVar aggregate classification (germline): Benign/Likely benign. Review status: criteria provided, multiple submitters, no conflicts (2 of 4 stars). 11 submissions from 11 submitters: Benign (5); Likely benign (6). Last evaluated 2026-08-01.

Conditions:
Tuberous sclerosis syndrome (TSC). Also called: Tuberous Sclerosis Complex; Tuberous sclerosis. Identifiers: Orphanet 805, MedGen C0041341, MONDO:0001734.
Tuberous sclerosis 2 (TSC2). Identifiers: Orphanet 805, MedGen C1860707, MONDO:0013199, OMIM 613254.
Hereditary cancer-predisposing syndrome. Also called: Hereditary neoplastic syndrome; Neoplastic Syndromes, Hereditary; Hereditary Cancer Syndrome; Tumor predisposition. Identifiers: Orphanet 140162, MedGen C0027672, MeSH D009386, MONDO:0015356.
TSC2-related disorder. Also called: TSC2-Related Disorders; TSC2-related condition.

Allele frequency attached by ClinVar (database versions not stated): gnomAD 0.00001; TOPMed 0.00001.
gnomAD v4.1: 28 of 1,612,672 alleles (0.0017%); highest among the groups gnomAD compares: Middle Eastern, 0.016%; no homozygotes.

Submissions (11):

CeGaT Center for Human Genetics Tuebingen
Classification: Likely benign. Last evaluated: 2026-08-01. Review status: criteria provided, single submitter. Criteria: CeGaT Center For Human Genetics Tuebingen Variant Classification Criteria Version 2. Collection method: clinical testing. Allele origin: germline. Affected: yes. Observed: 2 variant alleles.
Comment: TSC2: BP4, BP7

Labcorp Genetics (formerly Invitae), Labcorp
Classification: Benign for Tuberous sclerosis 2. Last evaluated: 2026-01-28. Review status: criteria provided, single submitter. Criteria: Invitae Variant Classification Sherloc (09022015). Collection method: clinical testing. Allele origin: germline.

PreventionGenetics, part of Exact Sciences
Classification: Likely benign for TSC2-related condition. Last evaluated: 2025-11-30. Review status: criteria provided, single submitter. Criteria: ACMG Guidelines, 2015. Collection method: clinical testing. Allele origin: germline.
Comment: This variant is classified as likely benign based on ACMG/AMP sequence variant interpretation guidelines (Richards et al. 2015 PMID: 25741868, with internal and published modifications).

Myriad Genetics, Inc.
Classification: Benign for Tuberous sclerosis 2. Last evaluated: 2025-05-20. Review status: criteria provided, single submitter. Criteria: Myriad Autosomal Dominant, Autosomal Recessive and X-Linked Classification Criteria (2023). Collection method: clinical testing. Allele origin: unknown.
Comment: This variant is considered benign. This variant is a silent/synonymous amino acid change and it is not expected to impact splicing.

All of Us Research Program, National Institutes of Health
Classification: Benign for Tuberous sclerosis syndrome. Last evaluated: 2024-01-11. Review status: criteria provided, single submitter. Criteria: ACMG Guidelines, 2015. Collection method: clinical testing. Allele origin: germline. Inheritance: Autosomal dominant inheritance. Observed: 6 variant alleles, 6 heterozygotes.
Comment: This study involves interpretation of variants in research participants for the purpose of population health screening. Participant phenotype was not available at the time of variant classification. Additional details can be found in publication PMID: 35346344, PMCID: PMC8962531

Blueprint Genetics
Classification: Likely benign. Last evaluated: 2023-07-03. Review status: criteria provided, single submitter. Criteria: ACMG Guidelines, 2015. Collection method: clinical testing. Allele origin: germline.

Color Diagnostics, LLC DBA Color Health
Classification: Benign for Tuberous sclerosis syndrome. Last evaluated: 2022-09-27. Review status: criteria provided, single submitter. Criteria: ACMG Guidelines, 2015. Collection method: clinical testing. Allele origin: germline.

Genome-Nilou Lab
Classification: Benign for Tuberous sclerosis 2. Last evaluated: 2021-11-07. Review status: criteria provided, single submitter. Criteria: ACMG Guidelines, 2015. Collection method: clinical testing. Allele origin: germline. Affected: no.

GeneDx
Classification: Likely benign. Last evaluated: 2021-01-07. Review status: criteria provided, single submitter. Criteria: GeneDx Variant Classification Process June 2021. Collection method: clinical testing. Allele origin: germline. Affected: yes.

Sema4
Classification: Likely benign for Hereditary cancer-predisposing syndrome. Last evaluated: 2020-07-21. Review status: criteria provided, single submitter. Criteria: Sema4 Curation Guidelines. Collection method: curation. Allele origin: germline.

Ambry Genetics
Classification: Likely benign for Hereditary cancer-predisposing syndrome. Last evaluated: 2018-01-16. Review status: criteria provided, single submitter. Criteria: Ambry Variant Classification Scheme 2023. Collection method: clinical testing. Allele origin: germline.